The following is an entry in ClinVar:

NM_015215.4(CAMTA1):c.1044G>A (p.Gln348=)

Gene: CAMTA1 (calmodulin binding transcription activator 1; plus strand). Cytogenetic location: 1p36.23.
Variant type: single nucleotide variant.
Coding change: c.1044G>A on transcript NM_015215.4 (MANE Select); coding-DNA position 1044, G replaced by A.
Protein change: p.Gln348=; no amino-acid change (glutamine 348 retained).
Molecular consequence: synonymous variant.
Genome position (GRCh38, 1-based): chr1:7,663,591, G>A. VCF-style: chr1-7663591-G-A. GRCh37 (hg19) VCF-style: chr1-7723651-G-A.
Other names: c.954G>A, p.Gln318= (NM_001349608.2, NM_001349612.2); c.1044G>A, p.Gln348= (NM_001349609.2, NM_001349610.2, NM_001410737.1); c.972G>A, p.Gln324= (NM_001410738.1); c.1044G>A (NM_015215.3).
Identifiers: ClinVar variation 2744218 (VCV002744218.5), dbSNP rs779465596, ClinGen allele CA566358.
Genomic context (GRCh38, chr1:7,663,591, plus strand): 5'-CAAGGTGGCCAAGCCCGTGCTCCTGCACCAGAGCAGCACCGAGGTCTCCTCCACCAACCA[G>A]GTGGAAGTCCCCGACACCACCCAGAGCTCCCCTGTGTCCATCAGCAGCGGGCTCAACAGC-3'
Protein context (NP_056030.1, residues 338-358): QSSTEVSSTN[Gln348=]VEVPDTTQSS

ClinVar aggregate classification (germline): Likely benign. Review status: criteria provided, single submitter (1 of 4 stars). 2 submissions from 2 submitters: Likely benign (1). 1 of the submissions does not count toward it. Last evaluated 2024-01-05.

Conditions:
CAMTA1-related disorder. Also called: CAMTA1-related condition.

Allele frequency attached by ClinVar (database versions not stated): ExAC 0.00001.
gnomAD v4.1: 12 of 1,614,028 alleles (0.00074%); highest among the groups gnomAD compares: Admixed American, 0.018%; no homozygotes.

Submissions (2):

Labcorp Genetics (formerly Invitae), Labcorp
Classification: Likely benign. Last evaluated: 2024-01-05. Review status: criteria provided, single submitter. Criteria: Invitae Variant Classification Sherloc (09022015). Collection method: clinical testing. Allele origin: germline.

PreventionGenetics, part of Exact Sciences
Classification: Likely benign for CAMTA1-related condition. Last evaluated: 2020-11-25. Review status: no assertion criteria provided. Collection method: clinical testing. Allele origin: germline. Not counted in ClinVar's aggregate classification.
Comment: This variant is classified as likely benign based on ACMG/AMP sequence variant interpretation guidelines (Richards et al. 2015 PMID: 25741868, with internal and published modifications).